The following is an entry in ClinVar:

ClinVar aggregate classification (germline): Uncertain significance (1 of 4 stars; one submission).

Conditions:
Thrombophilia due to protein C deficiency, autosomal dominant. Also called: PROC DEFICIENCY, AUTOSOMAL DOMINANT; PROTEIN C DEFICIENCY, AUTOSOMAL DOMINANT. Identifiers: Orphanet 745, MedGen C2674321, MONDO:0008316, OMIM 176860. Disease mechanism: loss of function.

Allele frequency attached by ClinVar (database versions not stated): gnomAD exomes below 0.00001; TOPMed below 0.00001.
gnomAD v4.1: 1 of 1,614,092 alleles (0.000062%); highest among the groups gnomAD compares: African/African-American, 0.0013%; no homozygotes.

Submission:

Labcorp Genetics (formerly Invitae), Labcorp
Classification: Uncertain significance for Thrombophilia due to protein C deficiency, autosomal dominant. Last evaluated: 2023-07-29. Review status: criteria provided, single submitter. Criteria: Invitae Variant Classification Sherloc (09022015). Collection method: clinical testing. Allele origin: germline.
Comment: This sequence change replaces proline, which is neutral and non-polar, with serine, which is neutral and polar, at codon 210 of the PROC protein (p.Pro210Ser). This variant is not present in population databases (gnomAD no frequency). This variant has not been reported in the literature in individuals affected with PROC-related conditions. Advanced modeling of protein sequence and biophysical properties (such as structural, functional, and spatial information, amino acid conservation, physicochemical variation, residue mobility, and thermodynamic stability) performed at Invitae indicates that this missense variant is not expected to disrupt PROC protein function. This variant disrupts the p.Pro210 amino acid residue in PROC. Other variant(s) that disrupt this residue have been determined to be pathogenic (PMID: 1347608, 7482420, 18573519, 21621249). This suggests that this residue is clinically significant, and that variants that disrupt this residue are likely to be disease-causing. In summary, the available evidence is currently insufficient to determine the role of this variant in disease. Therefore, it has been classified as a Variant of Uncertain Significance.

Literature cited by the submitters: PubMed 1347608; PubMed 7482420; PubMed 18573519; PubMed 21621249.

NM_000312.4(PROC):c.628C>T (p.Pro210Ser)

Gene: PROC (protein C, inactivator of coagulation factors Va and VIIIa; plus strand). Cytogenetic location: 2q14.3.
Variant type: single nucleotide variant.
Coding change: c.628C>T on transcript NM_000312.4 (MANE Select); coding-DNA position 628, C replaced by T.
Protein change: p.Pro210Ser; replaces proline 210 with serine.
Molecular consequence: missense variant.
Genome position (GRCh38, 1-based): chr2:127,426,177, C>T. VCF-style: chr2-127426177-C-T. GRCh37 (hg19) VCF-style: chr2-128183753-C-T.
Other names: c.811C>T, p.Pro271Ser (NM_001375602.1); c.793C>T, p.Pro265Ser (NM_001375603.1); c.691C>T, p.Pro231Ser (NM_001375604.1); c.730C>T, p.Pro244Ser (NM_001375605.1); c.796C>T, p.Pro266Ser (NM_001375606.1); c.814C>T, p.Pro272Ser (NM_001375607.1); c.571C>T, p.Pro191Ser (NM_001375608.1); c.604C>T, p.Pro202Ser (NM_001375609.1); and 2 more; short protein forms P191S, P231S, P265S, P202S, P271S, P208S, P210S, P266S.
Identifiers: ClinVar variation 3014915 (VCV003014915.3), dbSNP rs1375064739, ClinGen allele CA348401485.